The following is an entry in ClinVar:

NM_005359.6(SMAD4):c.249+1G>T

Gene: SMAD4 (SMAD family member 4; plus strand). Cytogenetic location: 18q21.2.
Variant type: single nucleotide variant.
Coding change: c.249+1G>T on transcript NM_005359.6 (MANE Select); the canonical splice donor site of the intron after coding-DNA position 249, G replaced by T.
Molecular consequence: splice donor variant.
Genome position (GRCh38, 1-based): chr18:51,047,296, G>T. VCF-style: chr18-51047296-G-T. GRCh37 (hg19) VCF-style: chr18-48573666-G-T.
Other names: c.249+1G>T (NM_001407042.1, NM_001407041.1, NM_001407043.1).
Identifiers: ClinVar variation 1509330 (VCV001509330.7), dbSNP rs2144402036, ClinGen allele CA402458155.
Genomic context (GRCh38, chr18:51,047,296, plus strand): 5'-AATGGAGCTCATCCTAGTAAATGTGTTACCATACAGAGAACATTGGATGGGAGGCTTCAG[G>T]TTAGTCTTATAAGAGTTTTTCTATACCCTCTATGGTGGCAGATTTAAAAACTTGCTACGT-3'

ClinVar aggregate classification (germline): Likely pathogenic. Review status: criteria provided, multiple submitters, no conflicts (2 of 4 stars). 2 submissions from 2 submitters: Likely pathogenic (2). Last evaluated 2024-05-25.

Conditions:
Juvenile polyposis syndrome (JPS). Identifiers: Orphanet 2929, MedGen C0345893, MONDO:0017380, OMIM 174900.
Juvenile polyposis/hereditary hemorrhagic telangiectasia syndrome (JPHT). Also called: Juvenile Polyposis Syndrome / Hereditary Hemorrhagic Telangiectasia (JPS/HHT); JP/HHT SYNDROME; JUVENILE POLYPOSIS WITH HEREDITARY HEMORRHAGIC TELANGIECTASIA; POLYPOSIS, GENERALIZED JUVENILE, WITH PULMONARY ARTERIOVENOUS MALFORMATION; TELANGIECTASIA, HEREDITARY HEMORRHAGIC, WITH JUVENILE POLYPOSIS COLI. Identifiers: Orphanet 2929, MedGen C1832942, MONDO:0008278, OMIM 175050.

Submissions (2):

Labcorp Genetics (formerly Invitae), Labcorp
Classification: Likely pathogenic for Juvenile polyposis syndrome. Last evaluated: 2024-05-25. Review status: criteria provided, single submitter. Criteria: Invitae Variant Classification Sherloc (09022015). Collection method: clinical testing. Allele origin: germline.
Comment: This sequence change affects a donor splice site in intron 2 of the SMAD4 gene. It is expected to disrupt RNA splicing. Variants that disrupt the donor or acceptor splice site typically lead to a loss of protein function (PMID: 16199547), and loss-of-function variants in SMAD4 are known to be pathogenic (PMID: 16152648, 16436638, 22810475). This variant is not present in population databases (gnomAD no frequency). This variant has not been reported in the literature in individuals affected with SMAD4-related conditions. ClinVar contains an entry for this variant (Variation ID: 1509330). Algorithms developed to predict the effect of sequence changes on RNA splicing suggest that this variant may disrupt the consensus splice site. In summary, the currently available evidence indicates that the variant is pathogenic, but additional data are needed to prove that conclusively. Therefore, this variant has been classified as Likely Pathogenic.

Myriad Genetics, Inc.
Classification: Likely pathogenic for Juvenile polyposis/hereditary hemorrhagic telangiectasia syndrome. Last evaluated: 2024-02-09. Review status: criteria provided, single submitter. Criteria: Myriad Autosomal Dominant, Autosomal Recessive and X-Linked Classification Criteria (2023). Collection method: clinical testing. Allele origin: unknown.
Comment: This variant is considered likely pathogenic. This variant occurs within a consensus splice junction and is predicted to result in abnormal mRNA splicing of either an out-of-frame exon or an in-frame exon necessary for protein stability and/or normal function.

Literature cited by the submitters: PubMed 16199547 (cited by Labcorp Genetics (formerly Invitae), Labcorp); PubMed 16152648 (cited by Labcorp Genetics (formerly Invitae), Labcorp); PubMed 16436638 (cited by Labcorp Genetics (formerly Invitae), Labcorp); PubMed 22810475 (cited by Labcorp Genetics (formerly Invitae), Labcorp).